The following is an entry in ClinVar:

NM_032578.4(MYPN):c.2615A>G (p.Asn872Ser)

Gene: MYPN (myopalladin; plus strand). Cytogenetic location: 10q21.3.
Variant type: single nucleotide variant.
Coding change: c.2615A>G on transcript NM_032578.4 (MANE Select); coding-DNA position 2615, A replaced by G.
Protein change: p.Asn872Ser; replaces asparagine 872 with serine.
Molecular consequence: missense variant. On other transcripts: non-coding transcript variant (1).
Genome position (GRCh38, 1-based): chr10:68,175,373, A>G. VCF-style: chr10-68175373-A-G. GRCh37 (hg19) VCF-style: chr10-69935130-A-G.
Other names: c.2615A>G, p.Asn872Ser (NM_001256267.2); c.1733A>G, p.Asn578Ser (NM_001256268.2); short protein forms N872S, N578S.
Identifiers: ClinVar variation 1350125 (VCV001350125.7), dbSNP rs1429733850, ClinGen allele CA376848894.

ClinVar aggregate classification (germline): Uncertain significance (1 of 4 stars; one submission).

Conditions:
Dilated cardiomyopathy 1KK (CMD1KK). Identifiers: Orphanet 154, Orphanet 75249, MedGen C3714995, MONDO:0014100, OMIM 615248.

Allele frequency attached by ClinVar (database versions not stated): gnomAD exomes below 0.00001; gnomAD 0.00001; TOPMed 0.00001.
gnomAD v4.1: 7 of 1,614,056 alleles (0.00043%); highest among the groups gnomAD compares: Middle Eastern, 0.049%; no homozygotes.

Submission:

Labcorp Genetics (formerly Invitae), Labcorp
Classification: Uncertain significance for Dilated cardiomyopathy 1KK. Last evaluated: 2022-08-10. Review status: criteria provided, single submitter. Criteria: Invitae Variant Classification Sherloc (09022015). Collection method: clinical testing. Allele origin: germline.
Comment: In summary, the available evidence is currently insufficient to determine the role of this variant in disease. Therefore, it has been classified as a Variant of Uncertain Significance. Algorithms developed to predict the effect of missense changes on protein structure and function output the following: SIFT: "Tolerated"; PolyPhen-2: "Benign"; Align-GVGD: "Class C0". The serine amino acid residue is found in multiple mammalian species, which suggests that this missense change does not adversely affect protein function. ClinVar contains an entry for this variant (Variation ID: 1350125). This variant has not been reported in the literature in individuals affected with MYPN-related conditions. This variant is present in population databases (no rsID available, gnomAD 0.003%). This sequence change replaces asparagine, which is neutral and polar, with serine, which is neutral and polar, at codon 872 of the MYPN protein (p.Asn872Ser).